The following is an entry in ClinVar:

ClinVar aggregate classification (germline): Uncertain significance (1 of 4 stars; one submission).

Conditions:
Perlman syndrome (PRLMNS). Identifiers: Orphanet 2849, MedGen C0796113, MONDO:0009965, OMIM 267000.

Allele frequency attached by ClinVar (database versions not stated): ExAC 0.00001; gnomAD exomes 0.00001; TOPMed 0.00001; gnomAD 0.00003 and 0.00004.
gnomAD v4.1: 13 of 1,606,302 alleles (0.00081%); highest among the groups gnomAD compares: African/African-American, 0.012%; no homozygotes.

Submission:

Labcorp Genetics (formerly Invitae), Labcorp
Classification: Uncertain significance for Perlman syndrome. Last evaluated: 2023-07-19. Review status: criteria provided, single submitter. Criteria: Invitae Variant Classification Sherloc (09022015). Collection method: clinical testing. Allele origin: germline.
Comment: This sequence change replaces asparagine, which is neutral and polar, with serine, which is neutral and polar, at codon 641 of the DIS3L2 protein (p.Asn641Ser). This variant has not been reported in the literature in individuals affected with DIS3L2-related conditions. ClinVar contains an entry for this variant (Variation ID: 463082). This variant is present in population databases (rs769948942, gnomAD 0.007%). In summary, the available evidence is currently insufficient to determine the role of this variant in disease. Therefore, it has been classified as a Variant of Uncertain Significance. An algorithm developed to predict the effect of missense changes on protein structure and function (PolyPhen-2) suggests that this variant is likely to be tolerated.

NM_152383.5(DIS3L2):c.1922A>G (p.Asn641Ser)

Gene: DIS3L2 (DIS3 like 3'-5' exoribonuclease 2; plus strand). Cytogenetic location: 2q37.1.
Variant type: single nucleotide variant.
Coding change: c.1922A>G on transcript NM_152383.5 (MANE Select); coding-DNA position 1922, A replaced by G.
Protein change: p.Asn641Ser; replaces asparagine 641 with serine.
Molecular consequence: missense variant. On other transcripts: non-coding transcript variant (2), intron variant (1).
Genome position (GRCh38, 1-based): chr2:232,329,995, A>G. VCF-style: chr2-232329995-A-G. GRCh37 (hg19) VCF-style: chr2-233194705-A-G.
Other names: c.1582-13350A>G (NM_001257281.2); short protein forms N641S.
Identifiers: ClinVar variation 463082 (VCV000463082.8), dbSNP rs769948942, ClinGen allele CA2164302.